The following is an entry in ClinVar:

ClinVar aggregate classification (germline): Pathogenic/Likely pathogenic. Review status: criteria provided, multiple submitters, no conflicts (2 of 4 stars). 2 submissions from 2 submitters: Pathogenic (1); Likely pathogenic (1). Last evaluated 2025-10-16.

Conditions:
Glycine encephalopathy 1 (GCE1). Identifiers: MedGen CN376801, MONDO:0958179, OMIM 605899.

Submissions (2):

Myriad Genetics, Inc.
Classification: Likely pathogenic for Glycine encephalopathy 1. Last evaluated: 2025-10-16. Review status: criteria provided, single submitter. Criteria: Myriad Autosomal Dominant, Autosomal Recessive and X-Linked Classification Criteria (2023). Collection method: clinical testing. Allele origin: unknown.
Comment: NM_000170.2(GLDC):c.862-1G>C is a variant in a canonical splice site classified as likely pathogenic in the context of glycine encephalopathy, GLDC-related. c.862-1G>C has been observed in a case with relevant disease (PMID: 27362913). Relevant functional assessments of this variant are not available in the literature. c.862-1G>C has not been observed in referenced population frequency databases. In summary, NM_000170.2(GLDC):c.862-1G>C is a variant in a canonical splice site in a gene where loss of function is a known mechanism of disease, is predicted to disrupt protein function, and has been observed more frequently in cases with the relevant disease than in healthy populations. Please note: this variant was assessed in the context of healthy population screening.

CeGaT Center for Human Genetics Tuebingen
Classification: Pathogenic. Last evaluated: 2020-10-01. Review status: criteria provided, single submitter. Criteria: CeGaT Center For Human Genetics Tuebingen Variant Classification Criteria Version 2. Collection method: clinical testing. Allele origin: germline. Affected: yes. Observed: 1 variant allele.

Literature cited by the submitters: PubMed 27362913 (cited by Myriad Genetics, Inc.).

NM_000170.3(GLDC):c.862-1G>C

Gene: GLDC (glycine decarboxylase; minus strand). Cytogenetic location: 9p24.1.
Variant type: single nucleotide variant.
Coding change: c.862-1G>C on transcript NM_000170.3 (MANE Select); the canonical splice acceptor site of the intron before coding-DNA position 862, G replaced by C.
Molecular consequence: splice acceptor variant.
Genome position (GRCh38, 1-based): chr9:6,604,785, C>G on the plus strand (G>C on the coding strand, the complement: GLDC is on the minus strand). VCF-style: chr9-6604785-C-G. GRCh37 (hg19) VCF-style: chr9-6604785-C-G.
Identifiers: ClinVar variation 1013034 (VCV001013034.39), dbSNP rs749542623, ClinGen allele CA372896115.
Genomic context (GRCh38, chr9:6,604,785, plus strand): 5'-TTCTCCAGGTGGCCTCAAGATGCACAAAGCTAAAAGGTCAGTAGCACAGCAGGCCAGGCT[C>G]TAGAAAGGAAGTGAGAGAAAAGGAACAAGGTTGCTACCTTTCCCTGAGAGTAGTGGGAGA-3'